The following is an entry in ClinVar:

ClinVar aggregate classification (germline): Uncertain significance (1 of 4 stars; one submission).

gnomAD v4.1: 1 of 1,614,034 alleles (0.000062%); highest among the groups gnomAD compares: Non-Finnish European, 0.000085%; no homozygotes.

Submission:

Ambry Genetics
Classification: Uncertain significance. Last evaluated: 2024-12-10. Review status: criteria provided, single submitter. Criteria: Ambry Variant Classification Scheme 2023. Collection method: clinical testing. Allele origin: germline.
Comment: The p.P1290S variant (also known as c.3868C>T), located in coding exon 14 of the CDK12 gene, results from a C to T substitution at nucleotide position 3868. The proline at codon 1290 is replaced by serine, an amino acid with similar properties. This amino acid position is conserved. In addition, this alteration is predicted to be tolerated by in silico analysis. Based on the available evidence, the clinical significance of this variant remains unclear.

NM_016507.4(CDK12):c.3868C>T (p.Pro1290Ser)

Gene: CDK12 (cyclin dependent kinase 12; plus strand). Cytogenetic location: 17q12.
Variant type: single nucleotide variant.
Coding change: c.3868C>T on transcript NM_016507.4 (MANE Select); coding-DNA position 3868, C replaced by T.
Protein change: p.Pro1290Ser; replaces proline 1290 with serine.
Molecular consequence: missense variant.
Genome position (GRCh38, 1-based): chr17:39,530,711, C>T. VCF-style: chr17-39530711-C-T. GRCh37 (hg19) VCF-style: chr17-37686964-C-T.
Other names: c.3841C>T, p.Pro1281Ser (NM_015083.4); short protein forms P1281S, P1290S.
Identifiers: ClinVar variation 3489411 (VCV003489411.1).